The following is an entry in ClinVar:

ClinVar aggregate classification (germline): Uncertain significance (1 of 4 stars; one submission).

Conditions:
Familial thoracic aortic aneurysm and aortic dissection (TAAD). Also called: Thoracic aortic aneurysms and dissections. Identifiers: Orphanet 91387, MedGen C4707243, MONDO:0019625.

Allele frequency attached by ClinVar (database versions not stated): gnomAD exomes below 0.00001; ExAC 0.00001; gnomAD 0.00001; TOPMed 0.00004.
gnomAD v4.1: 3 of 1,612,592 alleles (0.00019%); highest among the groups gnomAD compares: African/African-American, 0.0027%; no homozygotes.

Submission:

Ambry Genetics
Classification: Uncertain significance for Familial thoracic aortic aneurysm and aortic dissection. Last evaluated: 2024-12-05. Review status: criteria provided, single submitter. Criteria: Ambry Variant Classification Scheme 2023. Collection method: clinical testing. Allele origin: germline.
Comment: The p.S836N variant (also known as c.2507G>A), located in coding exon 16 of the NOTCH1 gene, results from a G to A substitution at nucleotide position 2507. The serine at codon 836 is replaced by asparagine, an amino acid with highly similar properties. This amino acid position is conserved. In addition, this alteration is predicted to be tolerated by in silico analysis. Since supporting evidence is limited at this time, the clinical significance of this alteration remains unclear.

NM_017617.5(NOTCH1):c.2507G>A (p.Ser836Asn)

Gene: NOTCH1 (notch receptor 1; minus strand). Cytogenetic location: 9q34.3.
Variant type: single nucleotide variant.
Coding change: c.2507G>A on transcript NM_017617.5 (MANE Select); coding-DNA position 2507, G replaced by A.
Protein change: p.Ser836Asn; replaces serine 836 with asparagine.
Molecular consequence: missense variant.
Genome position (GRCh38, 1-based): chr9:136,511,232, C>T on the plus strand (G>A on the coding strand, the complement: NOTCH1 is on the minus strand). VCF-style: chr9-136511232-C-T. GRCh37 (hg19) VCF-style: chr9-139405684-C-T.
Other names: short protein forms S836N.
Identifiers: ClinVar variation 1792328 (VCV001792328.3), dbSNP rs747068023, ClinGen allele CA5341283.